The following is an entry in ClinVar:

ClinVar aggregate classification (germline): Uncertain significance (1 of 4 stars; one submission).

Conditions:
Developmental and epileptic encephalopathy 98. Identifiers: MedGen C5562017, MONDO:0030472, OMIM 619605.

Submission:

Neuberg Centre For Genomic Medicine, NCGM
Classification: Uncertain significance for Developmental and epileptic encephalopathy 98. Review status: criteria provided, single submitter. Criteria: ACMG Guidelines, 2015. Collection method: clinical testing. Allele origin: germline. Inheritance: Autosomal dominant inheritance. Affected: yes.
Comment: The missense c.589G>Tp.Val197Phe variant in ATP1A2 gene has not been reported previously as a pathogenic variant nor as a benign variant, to our knowledge. This variant is novel not in any individuals in gnomAD Exomes and 1000 Genomes. The amino acid Val at position 197 is changed to a Phe changing protein sequence and it might alter its composition and physico-chemical properties. The amino acid change p.Val197Phe in ATP1A2 is predicted as conserved by GERP++ and PhyloP across 100 vertebrates. The variant is predicted as damaging by SIFT. For these reasons, this variant has been classified as Uncertain Significance.

NM_000702.4(ATP1A2):c.589G>T (p.Val197Phe)

Genes: ATP1A2 (ATPase Na+/K+ transporting subunit alpha 2; plus strand), LOC126805890 (CDK7 strongly-dependent group 2 enhancer GRCh37_chr1:160093987-160095186; plus strand). Cytogenetic location: 1q23.2.
Variant type: single nucleotide variant.
Coding change: c.589G>T on transcript NM_000702.4 (MANE Select); coding-DNA position 589, G replaced by T.
Protein change: p.Val197Phe; replaces valine 197 with phenylalanine.
Molecular consequence: missense variant.
Genome position (GRCh38, 1-based): chr1:160,124,389, G>T. VCF-style: chr1-160124389-G-T. GRCh37 (hg19) VCF-style: chr1-160094179-G-T.
Other names: short protein forms V197F.
Identifiers: ClinVar variation 3234965 (VCV003234965.1), dbSNP rs540087535, ClinGen allele CA343233928.